The following is an entry in ClinVar:

ClinVar aggregate classification (germline): Uncertain significance (1 of 4 stars; one submission).

Conditions:
Fabry disease. Also called: ALPHA-GALACTOSIDASE A DEFICIENCY; ANDERSON-FABRY DISEASE; CERAMIDE TRIHEXOSIDASE DEFICIENCY; GLA DEFICIENCY; HEREDITARY DYSTOPIC LIPIDOSIS; Angiokeratoma corporis diffusum. Identifiers: Orphanet 324, MedGen C0002986, MONDO:0010526, OMIM 301500, HP:0001071. Disease mechanism: Fabry disease is due to inactivating mutations in the X-linked GLA gene resulting in deficiency of the enzyme Alpha Galactosidase-A., loss of function.

Submission:

Genomenon, Inc
Classification: Uncertain significance for Fabry disease. Last evaluated: 2026-09-08. Review status: criteria provided, single submitter. Criteria: Genomenon Sequence Variant Interpretation Standards - Updated. Collection method: curation. Allele origin: germline. Affected: no.
Comment: GLA p.His406Arg (c.1217A>G) is a missense variant that changes the amino acid at codon 406 from Histidine to Arginine. This variant has been reported in the published literature (PMID:27657681;39468034). It is absent or not present at a significant frequency in gnomAD. In silico models predict that this variant is not damaging. In conclusion, we classify GLA p.His406Arg (c.1217A>G) as a variant of uncertain significance.

Literature cited by the submitters: PubMed 27657681; PubMed 39468034.

NM_000169.3(GLA):c.1217A>G (p.His406Arg)

Genes: GLA (galactosidase alpha; minus strand), RPL36A-HNRNPH2 (RPL36A-HNRNPH2 readthrough; plus strand). Cytogenetic location: Xq22.1.
Variant type: single nucleotide variant.
Coding change: c.1217A>G on transcript NM_000169.3 (MANE Select); coding-DNA position 1217, A replaced by G.
Protein change: p.His406Arg; replaces histidine 406 with arginine.
Molecular consequence: missense variant. On other transcripts: non-coding transcript variant (3), intron variant (2).
Genome position (GRCh38, 1-based): chrX:101,397,882, T>C on the plus strand (A>G on the coding strand, the complement: GLA is on the minus strand). VCF-style: chrX-101397882-T-C. GRCh37 (hg19) VCF-style: chrX-100652870-T-C.
Other names: c.1340A>G, p.His447Arg (NM_001406747.1); c.300+2425T>C (NM_001199973.2); c.177+6060T>C (NM_001199974.2); short protein forms H406R, H447R.
Identifiers: ClinVar variation 4087660 (VCV004087660.2).